The following is an entry in ClinVar:

ClinVar aggregate classification (germline): Conflicting classifications of pathogenicity. Review status: criteria provided, conflicting classifications (1 of 4 stars). 2 submissions from 2 submitters: Uncertain significance (1); Benign (1). Last evaluated 2025-01-01.

gnomAD v4.1: 3 of 1,614,082 alleles (0.00019%); highest among the groups gnomAD compares: Non-Finnish European, 0.000085%; no homozygotes.

Submissions (2):

CeGaT Center for Human Genetics Tuebingen
Classification: Uncertain significance. Last evaluated: 2025-01-01. Review status: criteria provided, single submitter. Criteria: CeGaT Center For Human Genetics Tuebingen Variant Classification Criteria Version 2. Collection method: clinical testing. Allele origin: germline. Affected: yes. Observed: 2 variant alleles.
Comment: FOXP1: PM2, BP4

Labcorp Genetics (formerly Invitae), Labcorp
Classification: Benign. Last evaluated: 2022-10-05. Review status: criteria provided, single submitter. Criteria: Invitae Variant Classification Sherloc (09022015). Collection method: clinical testing. Allele origin: germline.

NM_001349338.3(FOXP1):c.142G>C (p.Ala48Pro)

Gene: FOXP1 (forkhead box P1; minus strand). Cytogenetic location: 3p13.
Variant type: single nucleotide variant.
Coding change: c.142G>C on transcript NM_001349338.3 (MANE Select); coding-DNA position 142, G replaced by C.
Protein change: p.Ala48Pro; replaces alanine 48 with proline.
Molecular consequence: missense variant. On other transcripts: non-coding transcript variant (2).
Genome position (GRCh38, 1-based): chr3:71,198,240, C>G on the plus strand (G>C on the coding strand, the complement: FOXP1 is on the minus strand). VCF-style: chr3-71198240-C-G. GRCh37 (hg19) VCF-style: chr3-71247391-C-G.
Other names: c.142G>C, p.Ala48Pro (NM_001012505.2, NM_001244808.3, NM_001244810.2 and 7 more transcripts); short protein forms A48P.
Identifiers: ClinVar variation 2169006 (VCV002169006.28), dbSNP rs200378555, ClinGen allele CA353565045.
Genomic context (GRCh38, chr3:71,198,240, plus strand): 5'-CCAAGACTCCAAAGCCCAGTACCTGTTGCTGCTGCTGCTGGGCGTGGGCGAGGTCAGCTG[C>G]CCCGATGTCCACGGCCGGCGTCTCTCCGTTGGACCGCCCCTCCCGAAGACCGCCGCACTC-3'
Protein context (NP_001336267.1, residues 38-58): NGETPAVDIG[Ala48Pro]ADLAHAQQQQ